The following is an entry in ClinVar:

NM_001130053.5(EEF1D):c.330C>T (p.Arg110=)

Gene: EEF1D (eukaryotic translation elongation factor 1 delta; minus strand). Cytogenetic location: 8q24.3.
Variant type: single nucleotide variant.
Coding change: c.330C>T on transcript NM_001130053.5 (MANE Select); coding-DNA position 330, C replaced by T.
Protein change: p.Arg110=; no amino-acid change (arginine 110 retained).
Molecular consequence: synonymous variant. On other transcripts: intron variant (8).
Genome position (GRCh38, 1-based): chr8:143,589,752, G>A on the plus strand (C>T on the coding strand, the complement: EEF1D is on the minus strand). VCF-style: chr8-143589752-G-A. GRCh37 (hg19) VCF-style: chr8-144671922-G-A.
Other names: c.330C>T, p.Arg110= (NM_032378.7); c.-4-2903C>T (NM_001317743.4, NM_001289950.4, NM_001130055.4); c.-7-2900C>T (NM_001130056.5, NM_001195203.4, NM_001960.7 and 2 more transcripts).
Identifiers: ClinVar variation 3060863 (VCV003060863.2), dbSNP rs3812448, ClinGen allele CA4913877.

ClinVar aggregate classification (germline): Benign (0 of 4 stars; one submission).

Conditions:
EEF1D-related disorder. Also called: EEF1D-related condition.

Allele frequency attached by ClinVar (database versions not stated): 1000 Genomes Project 30x 0.63788; 1000 Genomes Project 0.63938; TOPMed 0.71531; gnomAD 0.72871; ESP Exome Variant Server 0.73561; ExAC 0.76016; gnomAD exomes 0.82462.
gnomAD v4.1: 1,247,088 of 1,531,286 alleles (81%); highest among the groups gnomAD compares: Non-Finnish European, 86%; 515,718 homozygotes.

Submission:

PreventionGenetics, part of Exact Sciences
Classification: Benign for EEF1D-related condition. Last evaluated: 2019-10-17. Review status: no assertion criteria provided. Collection method: clinical testing. Allele origin: germline.
Comment: This variant is classified as benign based on ACMG/AMP sequence variant interpretation guidelines (Richards et al. 2015 PMID: 25741868, with internal and published modifications).